The following is an entry in ClinVar:

NM_152419.3(HGSNAT):c.1752C>T (p.Val584=)

Gene: HGSNAT (heparan-alpha-glucosaminide N-acetyltransferase; plus strand). Cytogenetic location: 8p11.21.
Variant type: single nucleotide variant.
Coding change: c.1752C>T on transcript NM_152419.3 (MANE Select); coding-DNA position 1752, C replaced by T.
Protein change: p.Val584=; no amino-acid change (valine 584 retained).
Molecular consequence: synonymous variant.
Genome position (GRCh38, 1-based): chr8:43,199,413, C>T. VCF-style: chr8-43199413-C-T. GRCh37 (hg19) VCF-style: chr8-43054556-C-T.
Other names: c.1839C>T, p.Val613= (NM_001363227.2); c.1560C>T, p.Val520= (NM_001363228.2); c.888C>T, p.Val296= (NM_001363229.2).
Identifiers: ClinVar variation 720156 (VCV000720156.14), dbSNP rs200678234, ClinGen allele CA4737020.

ClinVar aggregate classification (germline): Likely benign. Review status: criteria provided, multiple submitters, no conflicts (2 of 4 stars). 4 submissions from 4 submitters: Likely benign (2). 2 of the submissions do not count toward it. Last evaluated 2026-01-31.

Conditions:
Mucopolysaccharidosis, MPS-III-C (MPS3C). Also called: MUCOPOLYSACCHARIDOSIS, TYPE IIIC; mucopolysaccharidosis type 3C; SANFILIPPO SYNDROME C; MPS III C; MPS IIIC (Sanfilippo Syndrome Type C); Mucopolysaccharidosis type IIIC (Sanfilippo C). Identifiers: Orphanet 581, Orphanet 79271, MedGen C0086649, MONDO:0009657, OMIM 252930.
Retinitis pigmentosa 73 (RP73). Identifiers: Orphanet 791, MedGen C4225287, MONDO:0014687, OMIM 616544.
HGSNAT-related disorder. Also called: HGSNAT-related condition.

Allele frequency attached by ClinVar (database versions not stated): ExAC 0.00020; 1000 Genomes Project 30x 0.00031; TOPMed 0.00078; gnomAD exomes 0.00020; gnomAD 0.00074 and 0.00080; ESP Exome Variant Server 0.00077; 1000 Genomes Project 0.00040.
gnomAD v4.1: 302 of 1,604,478 alleles (0.019%); highest among the groups gnomAD compares: African/African-American, 0.26%; 2 homozygotes.

Submissions (4):

Labcorp Genetics (formerly Invitae), Labcorp
Classification: Likely benign for Retinitis pigmentosa 73; Mucopolysaccharidosis, MPS-III-C. Last evaluated: 2026-01-31. Review status: criteria provided, single submitter. Criteria: Invitae Variant Classification Sherloc (09022015). Collection method: clinical testing. Allele origin: germline.

Blueprint Genetics
Classification: Likely benign. Last evaluated: 2023-11-16. Review status: criteria provided, single submitter. Criteria: ACMG Guidelines, 2015. Collection method: clinical testing. Allele origin: germline.

PreventionGenetics, part of Exact Sciences
Classification: Likely benign for HGSNAT-related condition. Last evaluated: 2020-02-14. Review status: no assertion criteria provided. Collection method: clinical testing. Allele origin: germline. Not counted in ClinVar's aggregate classification.
Comment: This variant is classified as likely benign based on ACMG/AMP sequence variant interpretation guidelines (Richards et al. 2015 PMID: 25741868, with internal and published modifications).

Natera, Inc.
Classification: Likely benign for Mucopolysaccharidosis type IIIC. Last evaluated: 2019-11-11. Review status: no assertion criteria provided. Collection method: clinical testing. Allele origin: germline. Not counted in ClinVar's aggregate classification.